The following is an entry in ClinVar:

ClinVar aggregate classification (germline): Pathogenic. Review status: criteria provided, multiple submitters, no conflicts (2 of 4 stars). 2 submissions from 2 submitters: Pathogenic (2). Last evaluated 2023-12-01.

Conditions:
Hereditary cancer-predisposing syndrome. Also called: Hereditary neoplastic syndrome; Neoplastic Syndromes, Hereditary; Tumor predisposition; Hereditary Cancer Syndrome. Identifiers: Orphanet 140162, MedGen C0027672, MeSH D009386, MONDO:0015356.

Allele frequency attached by ClinVar (database versions not stated): gnomAD exomes below 0.00001.
gnomAD v4.1: 1 of 1,614,076 alleles (0.000062%); highest among the groups gnomAD compares: Non-Finnish European, 0.000085%; no homozygotes.

Submissions (2):

Labcorp Genetics (formerly Invitae), Labcorp
Classification: Pathogenic. Last evaluated: 2023-12-01. Review status: criteria provided, single submitter. Criteria: Invitae Variant Classification Sherloc (09022015). Collection method: clinical testing. Allele origin: germline.
Comment: This sequence change creates a premature translational stop signal (p.Lys447*) in the FH gene. It is expected to result in an absent or disrupted protein product. Loss-of-function variants in FH are known to be pathogenic (PMID: 11865300, 21398687). This variant is not present in population databases (gnomAD no frequency). This premature translational stop signal has been observed in individual(s) with hereditary leiomyomatosis and renal cell cancer. (PMID: 36777509). ClinVar contains an entry for this variant (Variation ID: 214386). For these reasons, this variant has been classified as Pathogenic.

Ambry Genetics
Classification: Pathogenic for Hereditary cancer-predisposing syndrome. Last evaluated: 2016-08-11. Review status: criteria provided, single submitter. Criteria: Ambry General Variant Classification Scheme_2022. Collection method: clinical testing. Allele origin: germline. Observed: 1 variant allele.
Comment: The p.K447* pathogenic mutation (also known as c.1339A>T), located in coding exon 9 of the FH gene, results from an A to T substitution at nucleotide position 1339. This changes the amino acid from a lysine to a stop codon within coding exon 9. This alteration is expected to result in loss of function by premature protein truncation or nonsense-mediated mRNA decay. This alteration has been observed in at least one individual who has a personal or family history that is consistent with FH-associated disease (Ambry internal data). As such, this alteration is interpreted as a disease-causing mutation.

Literature cited by the submitters: PubMed 11865300 (cited by Labcorp Genetics (formerly Invitae), Labcorp); PubMed 21398687 (cited by Labcorp Genetics (formerly Invitae), Labcorp); PubMed 36777509 (cited by Labcorp Genetics (formerly Invitae), Labcorp).

NM_000143.4(FH):c.1339A>T (p.Lys447Ter)

Gene: FH (fumarate hydratase; minus strand). Cytogenetic location: 1q43.
Variant type: single nucleotide variant.
Coding change: c.1339A>T on transcript NM_000143.4 (MANE Select); coding-DNA position 1339, A replaced by T.
Protein change: p.Lys447Ter; replaces lysine 447 with a stop codon.
Molecular consequence: nonsense.
Genome position (GRCh38, 1-based): chr1:241,500,488, T>A on the plus strand (A>T on the coding strand, the complement: FH is on the minus strand). VCF-style: chr1-241500488-T-A. GRCh37 (hg19) VCF-style: chr1-241663788-T-A.
Other names: short protein forms K447*.
Identifiers: ClinVar variation 214386 (VCV000214386.11), dbSNP rs863223977, ClinGen allele CA324795.
Genomic context (GRCh38, chr1:241,500,488, plus strand): 5'-AACACTTACCTATATGAGGATTGAGAGCTGTCACCAACATTAGAGACTCATTCATCAGCT[T>A]GTTGATCCTTTCTGTATTGGCCTGGATTCCCACCACGCAGTTTTCTGTAAAGGAAACTGA-3'